The following is an entry in ClinVar:

NM_001040142.2(SCN2A):c.5443T>A (p.Phe1815Ile)

Gene: SCN2A (sodium voltage-gated channel alpha subunit 2; plus strand). Cytogenetic location: 2q24.3.
Variant type: single nucleotide variant.
Coding change: c.5443T>A on transcript NM_001040142.2 (MANE Select); coding-DNA position 5443, T replaced by A.
Protein change: p.Phe1815Ile; replaces phenylalanine 1815 with isoleucine.
Molecular consequence: missense variant.
Genome position (GRCh38, 1-based): chr2:165,389,249, T>A. VCF-style: chr2-165389249-T-A. GRCh37 (hg19) VCF-style: chr2-166245759-T-A.
Other names: c.5443T>A, p.Phe1815Ile (NM_021007.3, NM_001040143.2, NM_001371246.1 and 1 more transcripts); short protein forms F1815I.
Identifiers: ClinVar variation 3774762 (VCV003774762.1).

ClinVar aggregate classification (germline): Uncertain significance (1 of 4 stars; one submission).

Submission:

GeneDx
Classification: Uncertain significance. Last evaluated: 2024-09-26. Review status: criteria provided, single submitter. Criteria: GeneDx Variant Classification Process June 2021. Collection method: clinical testing. Allele origin: germline. Affected: yes.
Comment: Not observed at significant frequency in large population cohorts (gnomAD); In silico analysis supports that this missense variant has a deleterious effect on protein structure/function; Has not been previously published as pathogenic or benign to our knowledge; This substitution is predicted to be within the C-terminal cytoplasmic domain